The following is an entry in ClinVar:

ClinVar aggregate classification (germline): Pathogenic (1 of 4 stars; one submission).

Submission:

Quest Diagnostics Nichols Institute San Juan Capistrano
Classification: Pathogenic. Last evaluated: 2021-11-10. Review status: criteria provided, single submitter. Criteria: ACMG/ClinGen CNV Guidelines, 2019. Collection method: clinical testing. Allele origin: unknown.
Comment: The copy number gain of Xq27.1q27.3 involves several protein-coding genes, including a full copy of SOX3 (OMIM 313430), and is expected to cause developmental and/or behavioral abnormalities. In males, triplosensitivity of SOX3 are implicated in X-linked intellectual disability with isolated growth hormone deficiency (OMIM 300123) or X-linked panhypopituitarism (OMIM 312000) (Rosolowsky 2020, Arya 2019, Stagi 2014, Bauters 2014, Woods 2005, Solomon 2004). Additionally, duplications of SOX3 have been reported in neural tube defects (Hureaux 2019, Uguen 2015, Bauters 2014) or male 46, XX sex reversal with or without other congenital anomalies (Chaves 2019, Nagamani 2012, Sutton 2011, Lachlan 2004). Further, interstitial duplications partially overlapping this region are associated with Xq27.3-q28 duplication syndrome (OMIM 300869), an X-linked neurodevelopmental disorder characterized by intellectual disability, delayed psychomotor development, facial dysmorphism, short stature, small hands and feet, and primary hypogonadism. Female carriers may have short stature and premature ovarian failure depending on X-inactivation patterns (Chaves 2019, Rio 2010, Lachlan 2004). However, the critical gene for Xq27.3-q28 duplication syndrome, FMR1 (OMIM 309550), is not encompassed in the current interval. Currently, the clinical significance of this copy number variant (CNV) is interpreted as pathogenic. Of note, clinical presentation of this finding in a female is typically dependent upon X-inactivation status. References: Arya et al., Horm Res Paediatr. 2019;92(6):382-389. PMID: 31678974. Bauters et al., Am J Med Genet A. 2014 Aug;164A(8):1947-52. PMID: 24737742. Chaves et al., Sci Rep. 2019 Nov 28;9(1):17776. PMID: 31780800. Hureaux et al. Prenat Diagn. 2019 Oct;39(11):1026-1034. PMID: 31299102. Lachlan et al., Hum Genet. 2004 Oct;115(5):399-408. PMID: 15338277. Nagamani et al., Neurogenetics. 2012 Nov;13(4):333-9. PMID: 22890812. Rosolowsky et al., J Pediatr Endocrinol Metab. 2020 Mar 26;33(3):443-447. PMID: 26352083. Solomon et al., J Med Genet. 2004 Sep;41(9):669-78. PMID: 15342697. Stagi et al., Hormones (Athens). 2014 Oct-Dec;13(4):552-60. PMID: 25402377. Sutton et al., J Clin Invest. 2011 Jan;121(1):328-41. PMID: 21183788. Uguen et al., Am J Med Genet A. 2015 Jul;167(7):1676-8. PMID: 25900196. Woods et al., Am J Hum Genet. 2005 May;76(5):833-49. PMID: 15800844.

GRCh37/hg19 Xq27.1-27.3(chrX:139510129-145119351)x3

Genes: CDR1 (cerebellar degeneration related 1; minus strand), LDOC1 (LDOC1 regulator of NFKB signaling; minus strand), MAGEC1 (MAGE family member C1; plus strand), MAGEC2 (MAGE family member C2; minus strand), MAGEC3 (MAGE family member C3; plus strand) and 13 more. Cytogenetic location: Xq27.1-27.3.
Variant type: copy number gain.
Change: copy number 3 of chrX:139,510,129-145,119,351 (5.61 Mb, GRCh37 coordinates, 1-based), cytogenetic band Xq27.1-27.3.
Identifiers: ClinVar variation 1807801 (VCV001807801.1).